The following is an entry in ClinVar:

ClinVar aggregate classification (germline): Uncertain significance (1 of 4 stars; one submission).

Allele frequency attached by ClinVar (database versions not stated): gnomAD exomes below 0.00001.
gnomAD v4.1: 6 of 1,605,934 alleles (0.00037%); highest among the groups gnomAD compares: African/African-American, 0.0027%; no homozygotes.

Submission:

Labcorp Genetics (formerly Invitae), Labcorp
Classification: Uncertain significance. Last evaluated: 2023-08-17. Review status: criteria provided, single submitter. Criteria: Invitae Variant Classification Sherloc (09022015). Collection method: clinical testing. Allele origin: germline.
Comment: This sequence change replaces isoleucine, which is neutral and non-polar, with valine, which is neutral and non-polar, at codon 1213 of the COL18A1 protein (p.Ile1213Val). The frequency data for this variant in the population databases is considered unreliable, as metrics indicate poor data quality at this position in the gnomAD database. This variant has not been reported in the literature in individuals affected with COL18A1-related conditions. ClinVar contains an entry for this variant (Variation ID: 1347959). Experimental studies and prediction algorithms are not available or were not evaluated, and the functional significance of this variant is currently unknown. In summary, the available evidence is currently insufficient to determine the role of this variant in disease. Therefore, it has been classified as a Variant of Uncertain Significance.

NM_001379500.1(COL18A1):c.3646A>G (p.Ile1216Val)

Genes: COL18A1 (collagen type XVIII alpha 1 chain; plus strand), SLC19A1 (solute carrier family 19 member 1; minus strand). Cytogenetic location: 21q22.3.
Variant type: single nucleotide variant.
Coding change: c.3646A>G on transcript NM_001379500.1 (MANE Select); coding-DNA position 3646, A replaced by G.
Protein change: p.Ile1216Val; replaces isoleucine 1216 with valine.
Molecular consequence: missense variant.
Genome position (GRCh38, 1-based): chr21:45,510,214, A>G. VCF-style: chr21-45510214-A-G. GRCh37 (hg19) VCF-style: chr21-46930128-A-G.
Other names: c.4177A>G, p.Ile1393Val (NM_030582.4); c.4882A>G, p.Ile1628Val (NM_130444.3); short protein forms I1216V, I1393V, I1628V.
Identifiers: ClinVar variation 1347959 (VCV001347959.4), dbSNP rs369304666, ClinGen allele CA321923911.